The following is an entry in ClinVar:

NM_032273.4(TMEM126A):c.233C>G (p.Thr78Arg)

Gene: TMEM126A (transmembrane protein 126A; plus strand). Cytogenetic location: 11q14.1.
Variant type: single nucleotide variant.
Coding change: c.233C>G on transcript NM_032273.4 (MANE Select); coding-DNA position 233, C replaced by G.
Protein change: p.Thr78Arg; replaces threonine 78 with arginine.
Molecular consequence: missense variant.
Genome position (GRCh38, 1-based): chr11:85,654,209, C>G. VCF-style: chr11-85654209-C-G. GRCh37 (hg19) VCF-style: chr11-85365253-C-G.
Other names: c.23C>G, p.Thr8Arg (NM_001244735.2); short protein forms T78R, T8R.
Identifiers: ClinVar variation 966249 (VCV000966249.9), dbSNP rs565261459, ClinGen allele CA381996233.

ClinVar aggregate classification (germline): Uncertain significance (1 of 4 stars; one submission).

Allele frequency attached by ClinVar (database versions not stated): gnomAD exomes below 0.00001 and 0.00001; TOPMed 0.00001.
gnomAD v4.1: 9 of 1,614,066 alleles (0.00056%); highest among the groups gnomAD compares: Non-Finnish European, 0.00017%; no homozygotes.

Submission:

Labcorp Genetics (formerly Invitae), Labcorp
Classification: Uncertain significance. Last evaluated: 2022-02-09. Review status: criteria provided, single submitter. Criteria: Invitae Variant Classification Sherloc (09022015). Collection method: clinical testing. Allele origin: germline.
Comment: This sequence change replaces threonine, which is neutral and polar, with arginine, which is basic and polar, at codon 78 of the TMEM126A protein (p.Thr78Arg). This variant is present in population databases (no rsID available, gnomAD 0.01%). This variant has not been reported in the literature in individuals affected with TMEM126A-related conditions. ClinVar contains an entry for this variant (Variation ID: 966249). Algorithms developed to predict the effect of missense changes on protein structure and function are either unavailable or do not agree on the potential impact of this missense change (SIFT: "Tolerated"; PolyPhen-2: "Possibly Damaging"; Align-GVGD: "Class C0"). Algorithms developed to predict the effect of sequence changes on RNA splicing suggest that this variant may create or strengthen a splice site. In summary, the available evidence is currently insufficient to determine the role of this variant in disease. Therefore, it has been classified as a Variant of Uncertain Significance.